The following is an entry in ClinVar:

ClinVar aggregate classification (germline): Uncertain significance (1 of 4 stars; one submission).

Conditions:
Hereditary cancer-predisposing syndrome. Also called: Hereditary Cancer Syndrome; Hereditary neoplastic syndrome; Neoplastic Syndromes, Hereditary; Tumor predisposition. Identifiers: Orphanet 140162, MedGen C0027672, MeSH D009386, MONDO:0015356.

Submission:

Ambry Genetics
Classification: Uncertain significance for Hereditary cancer-predisposing syndrome. Last evaluated: 2023-06-08. Review status: criteria provided, single submitter. Criteria: Ambry Variant Classification Scheme 2023. Collection method: clinical testing. Allele origin: germline.
Comment: The p.K2431T variant (also known as c.7292A>C), located in coding exon 48 of the ATM gene, results from an A to C substitution at nucleotide position 7292. The lysine at codon 2431 is replaced by threonine, an amino acid with similar properties. This amino acid position is conserved. In addition, the in silico prediction for this alteration is inconclusive. Since supporting evidence is limited at this time, the clinical significance of this alteration remains unclear.

NM_000051.4(ATM):c.7292A>C (p.Lys2431Thr)

Genes: ATM (ATM serine/threonine kinase; plus strand), C11orf65 (chromosome 11 open reading frame 65; minus strand). Cytogenetic location: 11q22.3.
Variant type: single nucleotide variant.
Coding change: c.7292A>C on transcript NM_000051.4 (MANE Select); coding-DNA position 7292, A replaced by C.
Protein change: p.Lys2431Thr; replaces lysine 2431 with threonine.
Molecular consequence: missense variant. On other transcripts: intron variant (2).
Genome position (GRCh38, 1-based): chr11:108,329,223, A>C. VCF-style: chr11-108329223-A-C. GRCh37 (hg19) VCF-style: chr11-108199950-A-C.
Other names: c.7292A>C, p.Lys2431Thr (NM_001351834.2); c.641-20152T>G (NM_001330368.2); c.*38+5997T>G (NM_001351110.2); short protein forms K2431T.
Identifiers: ClinVar variation 2562578 (VCV002562578.2), dbSNP rs2547250963, ClinGen allele CA382559810.